The following is an entry in ClinVar:

NM_001082971.2(DDC):c.1421T>G (p.Val474Gly)

Gene: DDC (dopa decarboxylase; minus strand). Cytogenetic location: 7p12.2.
Variant type: single nucleotide variant.
Coding change: c.1421T>G on transcript NM_001082971.2 (MANE Select); coding-DNA position 1421, T replaced by G.
Protein change: p.Val474Gly; replaces valine 474 with glycine.
Molecular consequence: missense variant.
Genome position (GRCh38, 1-based): chr7:50,463,253, A>C on the plus strand (T>G on the coding strand, the complement: DDC is on the minus strand). VCF-style: chr7-50463253-A-C. GRCh37 (hg19) VCF-style: chr7-50530951-A-C.
Other names: c.1421T>G, p.Val474Gly (NM_000790.4); c.1307T>G, p.Val436Gly (NM_001242886.2); c.1277T>G, p.Val426Gly (NM_001242887.2); c.1187T>G, p.Val396Gly (NM_001242888.2); c.1142T>G, p.Val381Gly (NM_001242889.2); short protein forms V396G, V381G, V426G, V474G, V436G.
Identifiers: ClinVar variation 1471808 (VCV001471808.6), dbSNP rs2153532982, ClinGen allele CA367527276.

ClinVar aggregate classification (germline): Uncertain significance (1 of 4 stars; one submission).

Conditions:
Deficiency of aromatic-L-amino-acid decarboxylase. Also called: Aromatic L-Amino Acid Decarboxylase Deficiency; AADC DEFICIENCY; DDC DEFICIENCY; DOPA DECARBOXYLASE DEFICIENCY; Aromatic amino acid decarboxylase deficiency. Identifiers: Orphanet 35708, MedGen C1291564, MONDO:0012084, OMIM 608643.

Submission:

Labcorp Genetics (formerly Invitae), Labcorp
Classification: Uncertain significance for Deficiency of aromatic-L-amino-acid decarboxylase. Last evaluated: 2021-12-03. Review status: criteria provided, single submitter. Criteria: Invitae Variant Classification Sherloc (09022015). Collection method: clinical testing. Allele origin: germline.
Comment: In summary, the available evidence is currently insufficient to determine the role of this variant in disease. Therefore, it has been classified as a Variant of Uncertain Significance. This variant is not present in population databases (gnomAD no frequency). This sequence change replaces valine, which is neutral and non-polar, with glycine, which is neutral and non-polar, at codon 474 of the DDC protein (p.Val474Gly). Algorithms developed to predict the effect of missense changes on protein structure and function are either unavailable or do not agree on the potential impact of this missense change (SIFT: "Deleterious"; PolyPhen-2: "Benign"; Align-GVGD: "Class C15"). This variant has not been reported in the literature in individuals affected with DDC-related conditions.